The following is an entry in ClinVar:

NM_152383.5(DIS3L2):c.563A>G (p.Asp188Gly)

Gene: DIS3L2 (DIS3 like 3'-5' exoribonuclease 2; plus strand). Cytogenetic location: 2q37.1.
Variant type: single nucleotide variant.
Coding change: c.563A>G on transcript NM_152383.5 (MANE Select); coding-DNA position 563, A replaced by G.
Protein change: p.Asp188Gly; replaces aspartic acid 188 with glycine.
Molecular consequence: missense variant. On other transcripts: non-coding transcript variant (2).
Genome position (GRCh38, 1-based): chr2:232,087,683, A>G. VCF-style: chr2-232087683-A-G. GRCh37 (hg19) VCF-style: chr2-232952393-A-G.
Other names: c.563A>G, p.Asp188Gly (NM_001257281.2, NM_001257282.2); short protein forms D188G.
Identifiers: ClinVar variation 1502861 (VCV001502861.8), dbSNP rs1553606133, ClinGen allele CA351155256.

ClinVar aggregate classification (germline): Uncertain significance (1 of 4 stars; one submission).

Conditions:
Perlman syndrome (PRLMNS). Identifiers: Orphanet 2849, MedGen C0796113, MONDO:0009965, OMIM 267000.

Submission:

Labcorp Genetics (formerly Invitae), Labcorp
Classification: Uncertain significance for Perlman syndrome. Last evaluated: 2022-07-12. Review status: criteria provided, single submitter. Criteria: Invitae Variant Classification Sherloc (09022015). Collection method: clinical testing. Allele origin: germline.
Comment: This variant has not been reported in the literature in individuals affected with DIS3L2-related conditions. In summary, the available evidence is currently insufficient to determine the role of this variant in disease. Therefore, it has been classified as a Variant of Uncertain Significance. Algorithms developed to predict the effect of missense changes on protein structure and function (SIFT, PolyPhen-2, Align-GVGD) all suggest that this variant is likely to be tolerated. ClinVar contains an entry for this variant (Variation ID: 1502861). This variant is not present in population databases (gnomAD no frequency). This sequence change replaces aspartic acid, which is acidic and polar, with glycine, which is neutral and non-polar, at codon 188 of the DIS3L2 protein (p.Asp188Gly).